The following is an entry in ClinVar:

ClinVar aggregate classification (germline): Uncertain significance (1 of 4 stars; one submission).

Allele frequency attached by ClinVar (database versions not stated): gnomAD exomes 0.00020 and 0.00033; gnomAD 0.00021 and 0.00024; TOPMed 0.00022; ExAC 0.00034.
gnomAD v4.1: 346 of 1,612,886 alleles (0.021%); highest among the groups gnomAD compares: Admixed American, 0.072%; no homozygotes.

Submission:

Labcorp Genetics (formerly Invitae), Labcorp
Classification: Uncertain significance. Last evaluated: 2025-12-18. Review status: criteria provided, single submitter. Criteria: Invitae Variant Classification Sherloc (09022015). Collection method: clinical testing. Allele origin: germline.
Comment: This sequence change affects codon 312 of the SLC44A4 mRNA. It is a 'silent' change, meaning that it does not change the encoded amino acid sequence of the SLC44A4 protein. It affects a nucleotide within the consensus splice site. This variant is present in population databases (rs144232483, gnomAD 0.07%), and has an allele count higher than expected for a pathogenic variant. This variant has not been reported in the literature in individuals affected with SLC44A4-related conditions. ClinVar contains an entry for this variant (Variation ID: 1523900). Algorithms developed to predict the effect of sequence changes on RNA splicing suggest that this variant is not likely to affect RNA splicing. In summary, the available evidence is currently insufficient to determine the role of this variant in disease. Therefore, it has been classified as a Variant of Uncertain Significance.

NM_025257.3(SLC44A4):c.936C>T (p.Ala312=)

Gene: SLC44A4 (solute carrier family 44 member 4; minus strand). Cytogenetic location: 6p21.33.
Variant type: single nucleotide variant.
Coding change: c.936C>T on transcript NM_025257.3 (MANE Select); coding-DNA position 936, C replaced by T.
Protein change: p.Ala312=; no amino-acid change (alanine 312 retained).
Molecular consequence: synonymous variant.
Genome position (GRCh38, 1-based): chr6:31,870,813, G>A on the plus strand (C>T on the coding strand, the complement: SLC44A4 is on the minus strand). VCF-style: chr6-31870813-G-A. GRCh37 (hg19) VCF-style: chr6-31838590-G-A.
Other names: c.810C>T, p.Ala270= (NM_001178044.2); c.708C>T, p.Ala236= (NM_001178045.2).
Identifiers: ClinVar variation 1523900 (VCV001523900.6), dbSNP rs144232483, ClinGen allele CA3725555.